The following is an entry in ClinVar:

ClinVar aggregate classification (germline): Uncertain significance (1 of 4 stars; one submission).

Conditions:
Frasier syndrome. Identifiers: Orphanet 347, MedGen C0950122, MeSH D052159, MONDO:0007635, OMIM 136680.
Wilms tumor 1 (WT1). Also called: Wilms tumor, somatic. Identifiers: Orphanet 654, MedGen CN033288, MONDO:0008679, OMIM 194070.
11p partial monosomy syndrome (WAGR). Also called: WAGR Complex; WAGR syndrome; CHROMOSOME 11p13 DELETION SYNDROME; WAGR Spectrum Disorder. Identifiers: Orphanet 893, MedGen C0206115, MONDO:0008681, OMIM 194072.
Drash syndrome (DDS). Also called: NEPHROPATHY, WILMS TUMOR, AND GENITAL ANOMALIES; WILMS TUMOR AND PSEUDO- OR TRUE HERMAPHRODITISM. Identifiers: Orphanet 220, MedGen C0950121, MONDO:0008682, OMIM 194080.

Submission:

Labcorp Genetics (formerly Invitae), Labcorp
Classification: Uncertain significance for Wilms tumor 1; Drash syndrome; 11p partial monosomy syndrome; Frasier syndrome. Last evaluated: 2022-08-17. Review status: criteria provided, single submitter. Criteria: Invitae Variant Classification Sherloc (09022015). Collection method: clinical testing. Allele origin: germline.
Comment: In summary, the available evidence is currently insufficient to determine the role of this variant in disease. Therefore, it has been classified as a Variant of Uncertain Significance. Experimental studies and prediction algorithms are not available or were not evaluated, and the functional significance of this variant is currently unknown. This variant has not been reported in the literature in individuals affected with WT1-related conditions. This variant results in a copy number gain of the genomic region encompassing exon(s) 10 of the WT1 gene. This region includes the termination codon of the gene. This copy number gain extends beyond the assayed region for this gene and therefore may encompass additional genes. As the precise location of this event is unknown, it may be in tandem or it may be located elsewhere in the genome.

NC_000011.9:g.(?_32410604)_(32410745_?)dup

Gene: WT1 (WT1 transcription factor; minus strand). Cytogenetic location: 11p13.
Variant type: Duplication.
Identifiers: ClinVar variation 2426823 (VCV002426823.7).